The following is an entry in ClinVar:

ClinVar aggregate classification (germline): Uncertain significance (1 of 4 stars; one submission).

Conditions:
Hypertrophic cardiomyopathy 26. Also called: Cardiomyopathy, familial hypertrophic, 26. Identifiers: Orphanet 75249, MedGen C4310749, MONDO:0014883, OMIM 617047.
Myofibrillar myopathy 5. Also called: Filaminopathy (type); FILAMINOPATHY, AUTOSOMAL DOMINANT. Identifiers: Orphanet 171445, MedGen C1836050, MONDO:0012289, OMIM 609524.
Distal myopathy with posterior leg and anterior hand involvement. Also called: WILLIAMS DISTAL MYOPATHY. Identifiers: Orphanet 63273, MedGen C3279722, MONDO:0013550, OMIM 614065.

Submission:

Labcorp Genetics (formerly Invitae), Labcorp
Classification: Uncertain significance for Distal myopathy with posterior leg and anterior hand involvement; Myofibrillar myopathy 5; Hypertrophic cardiomyopathy 26. Last evaluated: 2025-09-21. Review status: criteria provided, single submitter. Criteria: Invitae Variant Classification Sherloc (09022015). Collection method: clinical testing. Allele origin: germline.
Comment: This sequence change replaces cysteine, which is neutral and slightly polar, with tyrosine, which is neutral and polar, at codon 1066 of the FLNC protein (p.Cys1066Tyr). This variant is not present in population databases (gnomAD no frequency). This variant has not been reported in the literature in individuals affected with FLNC-related conditions. ClinVar contains an entry for this variant (Variation ID: 3763661). Invitae Evidence Modeling of protein sequence and biophysical properties (such as structural, functional, and spatial information, amino acid conservation, physicochemical variation, residue mobility, and thermodynamic stability) has been performed for this missense variant. However, the output from this modeling did not meet the statistical confidence thresholds required to predict the impact of this variant on FLNC protein function. In summary, the available evidence is currently insufficient to determine the role of this variant in disease. Therefore, it has been classified as a Variant of Uncertain Significance.

NM_001458.5(FLNC):c.3197G>A (p.Cys1066Tyr)

Gene: FLNC (filamin C; plus strand). Cytogenetic location: 7q32.1.
Variant type: single nucleotide variant.
Coding change: c.3197G>A on transcript NM_001458.5 (MANE Select); coding-DNA position 3197, G replaced by A.
Protein change: p.Cys1066Tyr; replaces cysteine 1066 with tyrosine.
Molecular consequence: missense variant.
Genome position (GRCh38, 1-based): chr7:128,844,662, G>A. VCF-style: chr7-128844662-G-A. GRCh37 (hg19) VCF-style: chr7-128484716-G-A.
Other names: c.3197G>A, p.Cys1066Tyr (NM_001127487.2); short protein forms C1066Y.
Identifiers: ClinVar variation 3763661 (VCV003763661.2).